The following is an entry in ClinVar:

NM_014249.4(NR2E3):c.1149G>A (p.Ala383=)

Gene: NR2E3 (nuclear receptor subfamily 2 group E member 3; plus strand). Cytogenetic location: 15q23.
Variant type: single nucleotide variant.
Coding change: c.1149G>A on transcript NM_014249.4 (MANE Select); coding-DNA position 1149, G replaced by A.
Protein change: p.Ala383=; no amino-acid change (alanine 383 retained).
Molecular consequence: synonymous variant.
Genome position (GRCh38, 1-based): chr15:71,817,600, G>A. VCF-style: chr15-71817600-G-A. GRCh37 (hg19) VCF-style: chr15-72109941-G-A.
Identifiers: ClinVar variation 965267 (VCV000965267.7), dbSNP rs371462976, ClinGen allele CA7640534.
Genomic context (GRCh38, chr15:71,817,600, plus strand): 5'-TCTCCTGTTCAGGTTTGGGAAATTGCTCCTGCTCCTCCCGTCTTTGAGGTTTATCACTGC[G>A]GAACGCATCGAGCTCCTCTTTTTCCGCAAGACCATAGGGAATACTCCAATGGAGAAGCTC-3'
Protein context (NP_055064.1, residues 373-393): LLLPSLRFIT[Ala383=]ERIELLFFRK

ClinVar aggregate classification (germline): Uncertain significance. Review status: criteria provided, single submitter (1 of 4 stars). 2 submissions from 2 submitters: Uncertain significance (1). 1 of the submissions does not count toward it. Last evaluated 2022-08-28.

Conditions:
Enhanced S-cone syndrome (ESCS). Identifiers: Orphanet 53540, MedGen C1849394, MONDO:0100288, MONDO:0009989.

Allele frequency attached by ClinVar (database versions not stated): gnomAD 0.00002; ExAC 0.00001; ESP Exome Variant Server 0.00008; TOPMed 0.00001; gnomAD exomes 0.00002 and 0.00001.

Submissions (2):

Labcorp Genetics (formerly Invitae), Labcorp
Classification: Uncertain significance. Last evaluated: 2022-08-28. Review status: criteria provided, single submitter. Criteria: Invitae Variant Classification Sherloc (09022015). Collection method: clinical testing. Allele origin: germline.
Comment: This sequence change affects codon 383 of the NR2E3 mRNA. It is a 'silent' change, meaning that it does not change the encoded amino acid sequence of the NR2E3 protein. This variant is present in population databases (rs371462976, gnomAD 0.003%). This variant has been observed in individual(s) with autosomal recessive Enhanced S-cone syndrome and/or clinical features of retinitis pigmentosa (Invitae). ClinVar contains an entry for this variant (Variation ID: 965267). Algorithms developed to predict the effect of sequence changes on RNA splicing suggest that this variant may create or strengthen a splice site. In summary, the available evidence is currently insufficient to determine the role of this variant in disease. Therefore, it has been classified as a Variant of Uncertain Significance.

Natera, Inc.
Classification: Uncertain significance for Enhanced S cone syndrome. Last evaluated: 2020-09-23. Review status: no assertion criteria provided. Collection method: clinical testing. Allele origin: germline. Not counted in ClinVar's aggregate classification.